The following is an entry in ClinVar:

NM_004366.6(CLCN2):c.218G>A (p.Arg73His)

Gene: CLCN2 (chloride voltage-gated channel 2; minus strand). Cytogenetic location: 3q27.1.
Variant type: single nucleotide variant.
Coding change: c.218G>A on transcript NM_004366.6 (MANE Select); coding-DNA position 218, G replaced by A.
Protein change: p.Arg73His; replaces arginine 73 with histidine.
Molecular consequence: missense variant.
Genome position (GRCh38, 1-based): chr3:184,358,977, C>T on the plus strand (G>A on the coding strand, the complement: CLCN2 is on the minus strand). VCF-style: chr3-184358977-C-T. GRCh37 (hg19) VCF-style: chr3-184076765-C-T.
Other names: c.218G>A, p.Arg73His (NM_001171087.3, NM_001171088.3, NM_001171089.3); short protein forms R73H.
Identifiers: ClinVar variation 217770 (VCV000217770.49), dbSNP rs144412275, ClinGen allele CA347619.

ClinVar aggregate classification (germline): Conflicting classifications of pathogenicity. Review status: criteria provided, conflicting classifications (1 of 4 stars). 7 submissions from 7 submitters: Uncertain significance (1); Likely benign (4). 2 of the submissions do not count toward it. Last evaluated 2025-12-20.

Conditions:
Leukoencephalopathy with mild cerebellar ataxia and white matter edema (LKPAT). Also called: CLCN2-Related Leukoencephalopathy; Leukoencephalopathy with white matter edema; Brain white matter edema; Leukoencephalopathy with ataxia. Identifiers: Orphanet 363540, MedGen C4554120, MONDO:0014292, OMIM 615651. Disease mechanism: loss of function.
CLCN2-related disorder. Also called: CLCN2-related condition; CLCN2-related disorders.

Allele frequency attached by ClinVar (database versions not stated): 1000 Genomes Project 0.00080; TOPMed 0.00119; gnomAD 0.00202 and 0.00205; 1000 Genomes Project 30x 0.00062; ESP Exome Variant Server 0.00177.
gnomAD v4.1: 3,371 of 1,613,514 alleles (0.21%); highest among the groups gnomAD compares: Middle Eastern, 0.48%; 11 homozygotes.

Submissions (7):

Labcorp Genetics (formerly Invitae), Labcorp
Classification: Likely benign. Last evaluated: 2025-12-20. Review status: criteria provided, single submitter. Criteria: Invitae Variant Classification Sherloc (09022015). Collection method: clinical testing. Allele origin: germline.

Blueprint Genetics
Classification: Likely benign. Last evaluated: 2024-11-13. Review status: criteria provided, single submitter. Criteria: ACMG Guidelines, 2015. Collection method: clinical testing. Allele origin: germline.

CeGaT Center for Human Genetics Tuebingen
Classification: Likely benign. Last evaluated: 2024-04-01. Review status: criteria provided, single submitter. Criteria: CeGaT Center For Human Genetics Tuebingen Variant Classification Criteria Version 2. Collection method: clinical testing. Allele origin: germline. Affected: yes. Observed: 5 variant alleles.
Comment: CLCN2: BP4, BS2

Mendelics
Classification: Uncertain significance for Leukoencephalopathy with mild cerebellar ataxia and white matter edema. Last evaluated: 2019-05-28. Review status: criteria provided, single submitter. Criteria: Mendelics Assertion Criteria 2017. Collection method: clinical testing. Allele origin: unknown.

Eurofins Ntd Llc (ga)
Classification: Likely benign. Last evaluated: 2017-07-13. Review status: criteria provided, single submitter. Criteria: EGL Classification Definitions 2015. Collection method: clinical testing. Allele origin: germline. Observed: 6 variant alleles, 6 heterozygotes.

PreventionGenetics, part of Exact Sciences
Classification: Benign for CLCN2-related condition. Last evaluated: 2021-02-11. Review status: no assertion criteria provided. Collection method: clinical testing. Allele origin: germline. Not counted in ClinVar's aggregate classification.
Comment: This variant is classified as benign based on ACMG/AMP sequence variant interpretation guidelines (Richards et al. 2015 PMID: 25741868, with internal and published modifications).

GeneReviews
No classification provided. Condition: Leukoencephalopathy with mild cerebellar ataxia and white matter edema. Review status: no classification provided. Collection method: literature only. Allele origin: germline. Affected: yes. Not counted in ClinVar's aggregate classification.

Literature cited by the submitters: PubMed 21703448 (cited by GeneReviews); NCBI Bookshelf NBK326661 (cited by GeneReviews).